The following is an entry in ClinVar:

NM_006087.4(TUBB4A):c.57+4C>T

Genes: TUBB4A (tubulin beta 4A class IVa; minus strand), LOC130063295 (ATAC-STARR-seq lymphoblastoid silent region 9955; plus strand). Cytogenetic location: 19p13.3.
Variant type: single nucleotide variant.
Coding change: c.57+4C>T on transcript NM_006087.4 (MANE Select); 4 bases into the intron after coding-DNA position 57, C replaced by T.
Molecular consequence: intron variant.
Genome position (GRCh38, 1-based): chr19:6,502,152, G>A on the plus strand (C>T on the coding strand, the complement: TUBB4A is on the minus strand). VCF-style: chr19-6502152-G-A. GRCh37 (hg19) VCF-style: chr19-6502163-G-A.
Other names: c.57+4C>T (NM_001289129.2); c.192+4C>T (NM_001289127.2); c.210+4C>T (NM_001289123.2); c.-117+37C>T (NM_001289131.2); c.-117+4C>T (NM_001289130.2).
Identifiers: ClinVar variation 4803192 (VCV004803192.1).

ClinVar aggregate classification (germline): Uncertain significance (1 of 4 stars; one submission).

Conditions:
Leukodystrophy, hypomyelinating, 6. Also called: LEUKODYSTROPHY, HYPOMYELINATING, WITH ATROPHY OF THE BASAL GANGLIA AND CEREBELLUM; Hypomyelination with Atrophy of Basal Ganglia and Cerebellum (H-ABC); TUBB4A-Associated Leukodystrophy. Identifiers: Orphanet 139441, MedGen C2676244, MONDO:0012905, OMIM 612438.

Submission:

Labcorp Genetics (formerly Invitae), Labcorp
Classification: Uncertain significance for Leukodystrophy, hypomyelinating, 6. Last evaluated: 2026-01-14. Review status: criteria provided, single submitter. Criteria: Invitae Variant Classification Sherloc (09022015). Collection method: clinical testing. Allele origin: germline.
Comment: This sequence change falls in intron 1 of the TUBB4A gene. It does not directly change the encoded amino acid sequence of the TUBB4A protein. It affects a nucleotide within the consensus splice site. This variant is not present in population databases (gnomAD no frequency). This variant has not been reported in the literature in individuals affected with TUBB4A-related conditions. Variants that disrupt the consensus splice site are a relatively common cause of aberrant splicing (PMID: 17576681, 9536098). Algorithms developed to predict the effect of sequence changes on RNA splicing suggest that this variant is not likely to affect RNA splicing. In summary, the available evidence is currently insufficient to determine the role of this variant in disease. Therefore, it has been classified as a Variant of Uncertain Significance.

Literature cited by the submitters: PubMed 17576681; PubMed 9536098.